The following is an entry in ClinVar:

ClinVar aggregate classification (germline): Uncertain significance (1 of 4 stars; one submission).

Conditions:
Cardiovascular phenotype. Identifiers: MedGen CN230736.

Submission:

Ambry Genetics
Classification: Uncertain significance for Cardiovascular phenotype. Last evaluated: 2024-04-18. Review status: criteria provided, single submitter. Criteria: Ambry Variant Classification Scheme 2023. Collection method: clinical testing. Allele origin: germline.
Comment: The p.G1043D variant (also known as c.3128G>A), located in coding exon 1 of the ZNF469 gene, results from a G to A substitution at nucleotide position 3128. The glycine at codon 1043 is replaced by aspartic acid, an amino acid with similar properties. This amino acid position is conserved. In addition, this alteration is predicted to be tolerated by in silico analysis. Based on the available evidence, the clinical significance of this variant remains unclear.

NM_001367624.2(ZNF469):c.3128G>A (p.Gly1043Asp)

Genes: ZNF469 (zinc finger protein 469; plus strand), LOC130059718 (ATAC-STARR-seq lymphoblastoid silent region 7847; plus strand). Cytogenetic location: 16q24.2.
Variant type: single nucleotide variant.
Coding change: c.3128G>A on transcript NM_001367624.2 (MANE Select); coding-DNA position 3128, G replaced by A.
Protein change: p.Gly1043Asp; replaces glycine 1043 with aspartic acid.
Molecular consequence: missense variant.
Genome position (GRCh38, 1-based): chr16:88,430,598, G>A. VCF-style: chr16-88430598-G-A. GRCh37 (hg19) VCF-style: chr16-88497006-G-A.
Other names: NM_001127464.1:c.3128G>A; short protein forms G1043D.
Identifiers: ClinVar variation 3258243 (VCV003258243.1).
Genomic context (GRCh38, chr16:88,430,598, plus strand): 5'-GCAGCTCCCGGCGCCGCCGGCTGCCCCCCAGGAAGGACCCCAGGAAGAGGAAGGCTCGGG[G>A]CGGCGCCTGGGGCAAGGAGCTCATTCTGAAGATCGTGCAGCAGAAGAACAGGCGCCACCG-3'
Protein context (NP_001354553.1, residues 1033-1053): RKDPRKRKAR[Gly1043Asp]GAWGKELILK